The following is an entry in ClinVar:

ClinVar aggregate classification (germline): Uncertain significance (1 of 4 stars; one submission).

gnomAD v4.1: 18 of 1,209,420 alleles (0.0015%); highest among the groups gnomAD compares: South Asian, 0.0018%; no homozygotes.

Submission:

Ambry Genetics
Classification: Uncertain significance. Last evaluated: 2026-05-18. Review status: criteria provided, single submitter. Criteria: Ambry Variant Classification Scheme 2023. Collection method: clinical testing. Allele origin: germline.
Comment: The c.1024C>T (p.R342C) alteration is located in exon 10 (coding exon 10) of the SRPK3 gene. This alteration results from a C to T substitution at nucleotide position 1024, causing the arginine (R) at amino acid position 342 to be replaced by a cysteine (C). Based on data from gnomAD, the T allele has an overall frequency of 0.001% (1/179366) total alleles studied. The highest observed frequency was 0.001% (1/79477) of European (non-Finnish) alleles. Based on insufficient or conflicting evidence, the clinical significance of this alteration remains unclear.

NM_014370.4(SRPK3):c.1024C>T (p.Arg342Cys)

Gene: SRPK3 (SRSF protein kinase 3; plus strand). Cytogenetic location: Xq28.
Variant type: single nucleotide variant.
Coding change: c.1024C>T on transcript NM_014370.4 (MANE Select); coding-DNA position 1024, C replaced by T.
Protein change: p.Arg342Cys; replaces arginine 342 with cysteine.
Molecular consequence: missense variant. On other transcripts: intron variant (1).
Genome position (GRCh38, 1-based): chrX:153,784,090, C>T. VCF-style: chrX-153784090-C-T. GRCh37 (hg19) VCF-style: chrX-153049545-C-T.
Other names: c.1021C>T, p.Arg341Cys (NM_001170760.2); c.953-31C>T (NM_001170761.2); short protein forms R341C, R342C.
Identifiers: ClinVar variation 4865162 (VCV004865162.1).